The following is an entry in ClinVar:

ClinVar aggregate classification (germline): Benign/Likely benign. Review status: criteria provided, multiple submitters, no conflicts (2 of 4 stars). 6 submissions from 6 submitters: Benign (3); Likely benign (1). 2 of the submissions do not count toward it. Last evaluated 2026-02-03.

Conditions:
Atrial standstill 1 (ATRST1). Also called: Atrial standstill, digenic (GJA5/SCN5A); ATRIAL CARDIOMYOPATHY WITH HEART BLOCK; CARDIOMYOPATHY, FAMILIAL, WITH CONDUCTION DISTURBANCE. Identifiers: Orphanet 1344, MedGen C4551959, MONDO:0007171, OMIM 108770.
Atrial fibrillation, familial, 11 (ATFB11). Identifiers: MedGen C3279693, MONDO:0013544, OMIM 614049.

Allele frequency attached by ClinVar (database versions not stated): ESP Exome Variant Server 0.00438; gnomAD 0.00582 and 0.00664; TOPMed 0.00735; ExAC 0.00900; gnomAD exomes 0.00920; 1000 Genomes Project 30x 0.01515; 1000 Genomes Project 0.01637.
gnomAD v4.1: 10,634 of 1,614,154 alleles (0.66%); highest among the groups gnomAD compares: East Asian, 4%; 85 homozygotes.

Submissions (6):

Labcorp Genetics (formerly Invitae), Labcorp
Classification: Benign for Atrial fibrillation, familial, 11; Atrial standstill 1. Last evaluated: 2026-02-03. Review status: criteria provided, single submitter. Criteria: Invitae Variant Classification Sherloc (09022015). Collection method: clinical testing. Allele origin: germline.

Women's Health and Genetics/Laboratory Corporation of America, LabCorp
Classification: Benign. Last evaluated: 2024-05-06. Review status: criteria provided, single submitter. Criteria: LabCorp Variant Classification Summary - May 2015. Collection method: clinical testing. Allele origin: germline.

GeneDx
Classification: Benign. Last evaluated: 2019-10-28. Review status: criteria provided, single submitter. Criteria: GeneDx Variant Classification Process June 2021. Collection method: clinical testing. Allele origin: germline. Affected: yes.
Comment: This variant is associated with the following publications: (PMID: 22713807)

Breakthrough Genomics
Classification: Likely benign. Review status: criteria provided, single submitter. Criteria: ACMG Guidelines, 2015. Collection method: not provided. Allele origin: germline. Inheritance: Autosomal dominant inheritance. Affected: yes.

Clinical Genetics, Academic Medical Center
Classification: Benign. Review status: no assertion criteria provided. Collection method: clinical testing. Allele origin: germline. Affected: yes. Study: VKGL Data-share Consensus. Not counted in ClinVar's aggregate classification.

Joint Genome Diagnostic Labs from Nijmegen and Maastricht, Radboudumc and MUMC+
Classification: Benign. Review status: no assertion criteria provided. Collection method: clinical testing. Allele origin: germline. Affected: yes. Study: VKGL Data-share Consensus. Not counted in ClinVar's aggregate classification.

NM_181703.4(GJA5):c.369C>T (p.Tyr123=)

Gene: GJA5 (gap junction protein alpha 5; minus strand). Cytogenetic location: 1q21.2.
Variant type: single nucleotide variant.
Coding change: c.369C>T on transcript NM_181703.4 (MANE Select); coding-DNA position 369, C replaced by T.
Protein change: p.Tyr123=; no amino-acid change (tyrosine 123 retained).
Molecular consequence: synonymous variant.
Genome position (GRCh38, 1-based): chr1:147,758,870, G>A on the plus strand (C>T on the coding strand, the complement: GJA5 is on the minus strand). VCF-style: chr1-147758870-G-A. GRCh37 (hg19) VCF-style: chr1-147230978-G-A.
Other names: c.369C>T (NM_005266.5); c.369C>T, p.Tyr123= (NM_005266.7).
Identifiers: ClinVar variation 292449 (VCV000292449.22), dbSNP rs2232191, ClinGen allele CA1065777.
Genomic context (GRCh38, chr1:147,758,870, plus strand): 5'-AATCCTTCCATTCCCTTCCTCCCAGCAGGACAGTTCTGCCTTCTCTGCCACCGGGTACTC[G>A]TAAGAGCCAGAGCCCCGGACCTCTTTGGCCCTCTCGGCCTCCCGTAGCTTGCGCTTCTCC-3'
Protein context (NP_859054.1, residues 113-133): RAKEVRGSGS[Tyr123=]EYPVAEKAEL